The following is an entry in ClinVar:

NM_019098.5(CNGB3):c.892A>C (p.Thr298Pro)

Gene: CNGB3 (cyclic nucleotide gated channel subunit beta 3; minus strand). Cytogenetic location: 8q21.3.
Variant type: single nucleotide variant.
Coding change: c.892A>C on transcript NM_019098.5 (MANE Select); coding-DNA position 892, A replaced by C.
Protein change: p.Thr298Pro; replaces threonine 298 with proline.
Molecular consequence: missense variant.
Genome position (GRCh38, 1-based): chr8:86,654,023, T>G on the plus strand (A>C on the coding strand, the complement: CNGB3 is on the minus strand). VCF-style: chr8-86654023-T-G. GRCh37 (hg19) VCF-style: chr8-87666251-T-G.
Other names: short protein forms T298P.
Identifiers: ClinVar variation 95929 (VCV000095929.34), dbSNP rs4961206, ClinGen allele CA149053.
Genomic context (GRCh38, chr8:86,654,023, plus strand): 5'-AAAATGGTAATAGATCACGTGAGCAACTTTGAAATTGTTTGTCACCTACCTGAAATTTTG[T>G]AGAAGTCCTGTAGTGTTTCCTTAGCTCATTTGAATCCACCTGAAAGATATTTGTATTTTC-3'
Protein context (NP_061971.3, residues 288-308): NELRKHYRTS[Thr298Pro]KFQLDVASII

ClinVar aggregate classification (germline): Benign. Review status: criteria provided, multiple submitters, no conflicts (2 of 4 stars). 15 submissions from 14 submitters: Benign (11). 4 of the submissions do not count toward it. Last evaluated 2026-02-04.

Conditions:
Achromatopsia. Also called: Rod monochromatism. Identifiers: Orphanet 49382, MedGen C0152200, MONDO:0018852, HP:0011516.
Severe early-childhood-onset retinal dystrophy (STGD1). Also called: Stargardt macular dystrophy; Juvenile onset macular degeneration; Stargardt disease 1; STGD; MACULAR DYSTROPHY WITH FLECKS, TYPE 1. Identifiers: Orphanet 364055, Orphanet 827, MedGen C1855465, MeSH D000080362, MONDO:0009549, OMIM 248200.
Achromatopsia 3 (ACHM3). Also called: PINGELAPESE BLINDNESS; TOTAL COLORBLINDNESS WITH MYOPIA; ROD MONOCHROMACY 1; ROD MONOCHROMATISM 1; ACHROMATOPSIA WITH MYOPIA. Identifiers: Orphanet 49382, MedGen C1849792, MONDO:0009875, OMIM 262300.

Allele frequency attached by ClinVar (database versions not stated): gnomAD 0.64246 and 0.64709; TOPMed 0.64515; gnomAD exomes 0.65269 and 0.66066; ESP Exome Variant Server 0.64059; 1000 Genomes Project 30x 0.67817; 1000 Genomes Project 0.67971.
gnomAD v4.1: 1,041,550 of 1,596,206 alleles (65%); highest among the groups gnomAD compares: East Asian, 80%; 342,002 homozygotes.

Submissions (15):

Labcorp Genetics (formerly Invitae), Labcorp
Classification: Benign. Last evaluated: 2026-02-04. Review status: criteria provided, single submitter. Criteria: Invitae Variant Classification Sherloc (09022015). Collection method: clinical testing. Allele origin: germline.

Women's Health and Genetics/Laboratory Corporation of America, LabCorp
Classification: Benign. Last evaluated: 2025-04-25. Review status: criteria provided, single submitter. Criteria: LabCorp Variant Classification Summary - May 2015. Collection method: clinical testing. Allele origin: germline.

Blueprint Genetics
Classification: Benign. Last evaluated: 2024-11-27. Review status: criteria provided, single submitter. Criteria: ACMG Guidelines, 2015. Collection method: clinical testing. Allele origin: germline.

Genome-Nilou Lab
Classification: Benign for Achromatopsia 3. Last evaluated: 2021-07-10. Review status: criteria provided, single submitter. Criteria: ACMG Guidelines, 2015. Collection method: clinical testing. Allele origin: germline. Affected: no.

Mendelics
Classification: Benign for Achromatopsia 3. Last evaluated: 2019-05-28. Review status: criteria provided, single submitter. Criteria: Mendelics Assertion Criteria 2017. Collection method: clinical testing. Allele origin: unknown.

Illumina Laboratory Services, Illumina
Classification: Benign for Achromatopsia 3. Last evaluated: 2018-01-13. Review status: criteria provided, single submitter. Criteria: ICSL Variant Classification Criteria 13 December 2019. Collection method: clinical testing. Allele origin: germline.
Comment: This variant was observed in the ICSL laboratory as part of a predisposition screen in an ostensibly healthy population. It had not been previously curated by ICSL or reported in the Human Gene Mutation Database (HGMD: prior to June 1st, 2018), and was therefore a candidate for classification through an automated scoring system. Utilizing variant allele frequency, disease prevalence and penetrance estimates, and inheritance mode, an automated score was calculated to assess if this variant is too frequent to cause the disease. Based on the score and internal cut-off values, a variant classified as benign is not then subjected to further curation. The score for this variant resulted in a classification of benign for this disease.

Illumina Laboratory Services, Illumina
Classification: Benign for Severe early-childhood-onset retinal dystrophy. Last evaluated: 2018-01-13. Review status: criteria provided, single submitter. Criteria: ICSL Variant Classification Criteria 13 December 2019. Collection method: clinical testing. Allele origin: germline.
Comment: the same text as in the submission from Illumina Laboratory Services, Illumina above.

GeneDx
Classification: Benign. Last evaluated: 2015-03-03. Review status: criteria provided, single submitter. Criteria: GeneDx Variant Classification Process June 2021. Collection method: clinical testing. Allele origin: germline. Affected: yes.

Eurofins Ntd Llc (ga)
Classification: Benign. Last evaluated: 2014-04-29. Review status: criteria provided, single submitter. Criteria: EGL Classification Definitions 2015. Collection method: clinical testing. Allele origin: germline. Observed: 24 variant alleles, 12 heterozygotes, 12 homozygotes.

Breakthrough Genomics
Classification: Benign. Review status: criteria provided, single submitter. Criteria: ACMG Guidelines, 2015. Collection method: not provided. Allele origin: germline. Inheritance: Autosomal recessive inheritance. Affected: yes.

PreventionGenetics, part of Exact Sciences
Classification: Benign. Review status: criteria provided, single submitter. Criteria: ACMG Guidelines, 2015. Collection method: clinical testing. Allele origin: germline.

Natera, Inc.
Classification: Benign for Achromatopsia. Last evaluated: 2019-11-18. Review status: no assertion criteria provided. Collection method: clinical testing. Allele origin: germline. Not counted in ClinVar's aggregate classification.

Clinical Genetics DNA and cytogenetics Diagnostics Lab, Erasmus MC, Erasmus Medical Center
Classification: Benign. Review status: no assertion criteria provided. Collection method: clinical testing. Allele origin: germline. Affected: yes. Study: VKGL Data-share Consensus. Not counted in ClinVar's aggregate classification.

Diagnostic Laboratory, Department of Genetics, University Medical Center Groningen
Classification: Benign. Review status: no assertion criteria provided. Collection method: clinical testing. Allele origin: germline. Affected: yes. Study: VKGL Data-share Consensus. Not counted in ClinVar's aggregate classification.

Joint Genome Diagnostic Labs from Nijmegen and Maastricht, Radboudumc and MUMC+
Classification: Benign. Review status: no assertion criteria provided. Collection method: clinical testing. Allele origin: germline. Affected: yes. Study: VKGL Data-share Consensus. Not counted in ClinVar's aggregate classification.